The following is an entry in ClinVar:

ClinVar aggregate classification (germline): Pathogenic. Review status: criteria provided, multiple submitters, no conflicts (2 of 4 stars). 2 submissions from 2 submitters: Pathogenic (2). Last evaluated 2026-09-23.

Conditions:
Ataxia-telangiectasia syndrome (AT). Also called: ATAXIA-TELANGIECTASIA, COMPLEMENTATION GROUP A; ATAXIA-TELANGIECTASIA, FRESNO VARIANT; Ataxia-telangiectasia; Ataxia-telangiectasia, complementation group E; LOUIS-BAR SYNDROME; Cerebello-oculocutaneous telangiectasia. Identifiers: Orphanet 100, MedGen C0004135, MONDO:0008840, OMIM 208900.
Familial cancer of breast. Also called: BREAST CANCER, FAMILIAL; hereditary breast carcinoma; Hereditary breast cancer. Identifiers: Orphanet 227535, MedGen C0346153, MONDO:0016419, OMIM 114480. Disease mechanism: loss of function.

Submissions (2):

Myriad Genetics, Inc.
Classification: Pathogenic for Familial cancer of breast. Last evaluated: 2026-09-23. Review status: criteria provided, single submitter. Criteria: Myriad Autosomal Dominant, Autosomal Recessive and X-Linked Classification Criteria (2023). Collection method: clinical testing. Allele origin: unknown.
Comment: This variant is considered pathogenic. This variant creates a termination codon and is predicted to result in premature protein truncation.

Labcorp Genetics (formerly Invitae), Labcorp
Classification: Pathogenic for Ataxia-telangiectasia syndrome. Last evaluated: 2025-04-30. Review status: criteria provided, single submitter. Criteria: Invitae Variant Classification Sherloc (09022015). Collection method: clinical testing. Allele origin: germline.
Comment: This sequence change creates a premature translational stop signal (p.Lys2303*) in the ATM gene. It is expected to result in an absent or disrupted protein product. Loss-of-function variants in ATM are known to be pathogenic (PMID: 23807571, 25614872). This variant is not present in population databases (gnomAD no frequency). This variant has not been reported in the literature in individuals affected with ATM-related conditions. ClinVar contains an entry for this variant (Variation ID: 2116351). Algorithms developed to predict the effect of sequence changes on RNA splicing suggest that this variant may disrupt the consensus splice site. For these reasons, this variant has been classified as Pathogenic.

Literature cited by the submitters: PubMed 23807571 (cited by Labcorp Genetics (formerly Invitae), Labcorp); PubMed 25614872 (cited by Labcorp Genetics (formerly Invitae), Labcorp).

NM_000051.4(ATM):c.6907A>T (p.Lys2303Ter)

Genes: ATM (ATM serine/threonine kinase; plus strand), C11orf65 (chromosome 11 open reading frame 65; minus strand). Cytogenetic location: 11q22.3.
Variant type: single nucleotide variant.
Coding change: c.6907A>T on transcript NM_000051.4 (MANE Select); coding-DNA position 6907, A replaced by T.
Protein change: p.Lys2303Ter; replaces lysine 2303 with a stop codon.
Molecular consequence: nonsense. On other transcripts: intron variant (2).
Genome position (GRCh38, 1-based): chr11:108,326,157, A>T. VCF-style: chr11-108326157-A-T. GRCh37 (hg19) VCF-style: chr11-108196884-A-T.
Other names: c.6907A>T, p.Lys2303Ter (NM_001351834.2); c.641-17086T>A (NM_001330368.2); c.*38+9063T>A (NM_001351110.2); short protein forms K2303*.
Identifiers: ClinVar variation 2116351 (VCV002116351.5), dbSNP rs2547217571, ClinGen allele CA382557000.